The following is an entry in ClinVar:

NM_001723.7(DST):c.6550A>G (p.Ile2184Val)

Gene: DST (dystonin; minus strand). Cytogenetic location: 6p12.1.
Variant type: single nucleotide variant.
Coding change: c.6550A>G on transcript NM_001723.7 (MANE Plus Clinical); coding-DNA position 6550, A replaced by G.
Protein change: p.Ile2184Val; replaces isoleucine 2184 with valine.
Molecular consequence: missense variant. On other transcripts: intron variant (10).
Genome position (GRCh38, 1-based): chr6:56,616,917, T>C on the plus strand (A>G on the coding strand, the complement: DST is on the minus strand). VCF-style: chr6-56616917-T-C. GRCh37 (hg19) VCF-style: chr6-56481715-T-C.
Other names: c.4831-2433A>G (NM_001144769.5); c.4930-2433A>G (NM_001374722.1, NM_001374736.1); c.4957-2433A>G (NM_001374734.1); c.4417-2433A>G (NM_001144770.2); c.4297-2433A>G (NM_001374730.1, NM_001386100.1, NM_183380.4 and 1 more transcripts); c.3319-2433A>G (NM_015548.5); short protein forms I2184V.
Identifiers: ClinVar variation 541463 (VCV000541463.10), dbSNP rs1042484582, ClinGen allele CA139208009.
Genomic context (GRCh38, chr6:56,616,917, plus strand): 5'-ATTCGGGGTCAACAACTCCTTTAAGAACTGCATCTTCAACAGAATATGTCTGACCTGAAA[T>C]GGGATCAATTATAAAACCTGTTGCAGCCTGAGCTTCTAAAAATGCCAAAGCCACCATTTT-3'
Protein context (NP_001714.1, residues 2174-2194): QAATGFIIDP[Ile2184Val]SGQTYSVEDA

ClinVar aggregate classification (germline): Uncertain significance. Review status: criteria provided, multiple submitters, no conflicts (2 of 4 stars). 2 submissions from 2 submitters: Uncertain significance (2). Last evaluated 2026-01-01.

Conditions:
Hereditary sensory and autonomic neuropathy type 6. Also called: HSAN VI; Neuropathy, hereditary sensory and autonomic, type VI. Identifiers: Orphanet 314381, MedGen C3539003, MONDO:0013839, OMIM 614653.
Epidermolysis bullosa simplex 3, localized or generalized intermediate, with BP230 deficiency (EBS3). Also called: Epidermolysis bullosa simplex, autosomal recessive 2; Epidermolysis bullosa simplex due to BP230 deficiency. Identifiers: Orphanet 412181, MedGen C3809470, MONDO:0014180, OMIM 615425.

Allele frequency attached by ClinVar (database versions not stated): gnomAD exomes 0.00001 and 0.00002; gnomAD 0.00002 and 0.00003; TOPMed 0.00002.
gnomAD v4.1: 33 of 1,609,496 alleles (0.0021%); highest among the groups gnomAD compares: Middle Eastern, 0.017%; no homozygotes.

Submissions (2):

CeGaT Center for Human Genetics Tuebingen
Classification: Uncertain significance. Last evaluated: 2026-01-01. Review status: criteria provided, single submitter. Criteria: CeGaT Center For Human Genetics Tuebingen Variant Classification Criteria Version 2. Collection method: clinical testing. Allele origin: germline. Affected: yes. Observed: 1 variant allele.
Comment: DST: PM2:Supporting, BP4

Labcorp Genetics (formerly Invitae), Labcorp
Classification: Uncertain significance for Epidermolysis bullosa simplex 3, localized or generalized intermediate, with BP230 deficiency; Hereditary sensory and autonomic neuropathy type 6. Last evaluated: 2022-05-21. Review status: criteria provided, single submitter. Criteria: Invitae Variant Classification Sherloc (09022015). Collection method: clinical testing. Allele origin: germline.
Comment: This sequence change replaces isoleucine, which is neutral and non-polar, with valine, which is neutral and non-polar, at codon 2184 of the DST protein (p.Ile2184Val). This variant is present in population databases (no rsID available, gnomAD 0.002%). This variant has not been reported in the literature in individuals affected with DST-related conditions. ClinVar contains an entry for this variant (Variation ID: 541463). Algorithms developed to predict the effect of missense changes on protein structure and function output the following: SIFT: "Deleterious"; PolyPhen-2: "Benign"; Align-GVGD: "Class C25". The valine amino acid residue is found in multiple mammalian species, which suggests that this missense change does not adversely affect protein function. In summary, the available evidence is currently insufficient to determine the role of this variant in disease. Therefore, it has been classified as a Variant of Uncertain Significance.